The following is an entry in ClinVar:

ClinVar aggregate classification (germline): Uncertain significance (1 of 4 stars; one submission).

Allele frequency attached by ClinVar (database versions not stated): ExAC 0.00002; gnomAD exomes 0.00002 and 0.00004; gnomAD 0.00003.
gnomAD v4.1: 57 of 1,614,260 alleles (0.0035%); highest among the groups gnomAD compares: East Asian, 0.018%; no homozygotes.

Submission:

Labcorp Genetics (formerly Invitae), Labcorp
Classification: Uncertain significance. Last evaluated: 2022-01-15. Review status: criteria provided, single submitter. Criteria: Invitae Variant Classification Sherloc (09022015). Collection method: clinical testing. Allele origin: germline.
Comment: This sequence change replaces valine, which is neutral and non-polar, with methionine, which is neutral and non-polar, at codon 130 of the C1QA protein (p.Val130Met). This variant is present in population databases (rs568891417, gnomAD 0.006%). This variant has not been reported in the literature in individuals affected with C1QA-related conditions. Algorithms developed to predict the effect of missense changes on protein structure and function (SIFT, PolyPhen-2, Align-GVGD) all suggest that this variant is likely to be tolerated. In summary, the available evidence is currently insufficient to determine the role of this variant in disease. Therefore, it has been classified as a Variant of Uncertain Significance.

NM_015991.4(C1QA):c.388G>A (p.Val130Met)

Gene: C1QA (complement C1q A chain; plus strand). Cytogenetic location: 1p36.12.
Variant type: single nucleotide variant.
Coding change: c.388G>A on transcript NM_015991.4 (MANE Select); coding-DNA position 388, G replaced by A.
Protein change: p.Val130Met; replaces valine 130 with methionine.
Molecular consequence: missense variant.
Genome position (GRCh38, 1-based): chr1:22,639,057, G>A. VCF-style: chr1-22639057-G-A. GRCh37 (hg19) VCF-style: chr1-22965550-G-A.
Other names: c.388G>A, p.Val130Met (NM_001347465.2, NM_001347466.2); short protein forms V130M.
Identifiers: ClinVar variation 1422776 (VCV001422776.3), dbSNP rs568891417, ClinGen allele CA677777.